The following is an entry in ClinVar:

NM_007294.4(BRCA1):c.216C>G (p.Ser72Arg)

Gene: BRCA1 (BRCA1 DNA repair associated; minus strand). Cytogenetic location: 17q21.31.
Variant type: single nucleotide variant.
Coding change: c.216C>G on transcript NM_007294.4 (MANE Select); coding-DNA position 216, C replaced by G.
Protein change: p.Ser72Arg; replaces serine 72 with arginine.
Molecular consequence: missense variant. On other transcripts: non-coding transcript variant (1).
Genome position (GRCh38, 1-based): chr17:43,104,953, G>C on the plus strand (C>G on the coding strand, the complement: BRCA1 is on the minus strand). VCF-style: chr17-43104953-G-C. GRCh37 (hg19) VCF-style: chr17-41256970-G-C.
Other names: c.216C>G, p.Ser72Arg (NM_001407640.1, NM_001407641.1, NM_001407642.1 and 168 more transcripts); c.138C>G, p.Ser46Arg (NM_001407653.1, NM_001407654.1, NM_001407655.1 and 21 more transcripts); c.75C>G, p.Ser25Arg (NM_001407692.1, NM_001407694.1, NM_001407695.1 and 99 more transcripts); c.6C>G, p.Ser2Arg (NM_001407853.1, NM_001407879.1, NM_001407881.1 and 58 more transcripts); c.-166C>G (NM_001407959.1, NM_001407960.1, NM_001407962.1 and 4 more transcripts); c.84C>G, p.Ser28Arg (NM_001408451.1); short protein forms S72R, S25R, S28R, S46R, S2R.
Identifiers: ClinVar variation 182123 (VCV000182123.28), dbSNP rs80356967, ClinGen allele CA001450.
Genomic context (GRCh38, chr17:43,104,953, plus strand): 5'-AGCACAAATGATTTTCAATAGCTCTTCAACAAGTTGACTAAATCTCGTACTTTCTTGTAG[G>C]CTCCTGAAATTAAATTGTTTGAGAAACACACTCAGCAAGTGATTATCAACCTTTTAAGGA-3'
Protein context (NP_009225.1, residues 62-82): PLCKNDITKR[Ser72Arg]LQESTRFSQL

ClinVar aggregate classification (germline): Conflicting classifications of pathogenicity. Review status: criteria provided, conflicting classifications (1 of 4 stars). 8 submissions from 8 submitters: Uncertain significance (4); Likely benign (4). Last evaluated 2026-01-14.

Conditions:
Hereditary cancer-predisposing syndrome. Also called: Hereditary Cancer Syndrome; Hereditary neoplastic syndrome; Tumor predisposition; Neoplastic Syndromes, Hereditary. Identifiers: Orphanet 140162, MedGen C0027672, MeSH D009386, MONDO:0015356.
Hereditary breast ovarian cancer syndrome. Also called: Hereditary breast and ovarian cancer syndrome; Hereditary breast and ovarian cancer syndrome (HBOC); BRCA1- and BRCA2-Associated Hereditary Breast and Ovarian Cancer; Breast and ovarian cancer; Hereditary breast and ovarian cancer; Hereditary breast and/or ovarian cancer syndrome. Identifiers: Orphanet 145, MedGen C0677776, MeSH D061325, MONDO:0003582. Disease mechanism: loss of function.
Pancreatic cancer, susceptibility to, 4. Identifiers: Orphanet 1333, MedGen C3280442, MONDO:0013685, OMIM 614320.
Fanconi anemia, complementation group S (FANCS). Identifiers: MedGen C4554406, MONDO:0054748, OMIM 617883.
Breast-ovarian cancer, familial, susceptibility to, 1 (BROVCA1). Also called: OVARIAN CANCER, SUSCEPTIBILITY TO; BRCA1 Hereditary Breast and Ovarian Cancer. Identifiers: Orphanet 145, MedGen C2676676, MONDO:0011450, OMIM 604370. Disease mechanism: loss of function.
Familial cancer of breast. Also called: BREAST CANCER, FAMILIAL; Hereditary breast cancer; hereditary breast carcinoma. Identifiers: Orphanet 227535, MedGen C0346153, MONDO:0016419, OMIM 114480. Disease mechanism: loss of function.

Allele frequency attached by ClinVar (database versions not stated): gnomAD exomes below 0.00001 and 0.00001; ExAC 0.00001.
gnomAD v4.1: 5 of 1,612,828 alleles (0.00031%); highest among the groups gnomAD compares: Admixed American, 0.0083%; no homozygotes.

Submissions (9):

Women's Health and Genetics/Laboratory Corporation of America, LabCorp
Classification: Likely benign. Last evaluated: 2026-01-14. Review status: criteria provided, single submitter. Criteria: LabCorp Variant Classification Summary - May 2015. Collection method: clinical testing. Allele origin: germline.
Comment: Variant summary: BRCA1 c.216C>G (p.Ser72Arg) results in a non-conservative amino acid change in the encoded protein sequence. Algorithms developed to predict the effect of missense changes on protein structure and function all suggest that this variant is likely to be disruptive. The variant allele was found at a frequency of 1.2e-05 in 251106 control chromosomes. The available data on variant occurrences in the general population are insufficient to allow any conclusion about variant significance. c.216C>G has been observed in individual(s) affected with Hereditary Breast And Ovarian Cancer Syndrome without clear evidence for causality (Judkins_2005, Sng_2003, Wen_2017). These report(s) do not provide unequivocal conclusions about association of the variant with Hereditary Breast And Ovarian Cancer Syndrome. At least one publication reports experimental evidence evaluating an impact on protein function and the results show no damaging effect of this variant on homology directed repair (HDR) activity (HDR assays qualify as a recognized gold standard on the basis of updated guidance provided by the ClinGen Sequence Variant Interpretation (SVI) working group( (Findlay_2018, Starita_2015). The following publications have been ascertained in the context of this evaluation (PMID: 15235020, 30209399, 16267036, 16403807, 15385441, 14569140, 25823446, 28993434, 24489791). These results showed no damaging effect of this variant. ClinVar contains an entry for this variant (Variation ID: 182123). Based on the evidence outlined above, the variant was classified as likely benign.

Labcorp Genetics (formerly Invitae), Labcorp
Classification: Uncertain significance for Hereditary breast ovarian cancer syndrome. Last evaluated: 2025-12-20. Review status: criteria provided, single submitter. Criteria: Invitae Variant Classification Sherloc (09022015). Collection method: clinical testing. Allele origin: germline.
Comment: This sequence change replaces serine, which is neutral and polar, with arginine, which is basic and polar, at codon 72 of the BRCA1 protein (p.Ser72Arg). This variant is present in population databases (rs80356967, gnomAD 0.01%). This missense change has been observed in individual(s) with clinical features of BRCA1-related conditions (PMID: 16403807, 25823446). ClinVar contains an entry for this variant (Variation ID: 182123). Invitae Evidence Modeling incorporating data from in vitro experimental studies (PMID: 30209399) indicates that this missense variant is not expected to disrupt BRCA1 function with a negative predictive value of 95%. Experimental studies have shown that this missense change does not substantially affect BRCA1 function (PMID: 16403807, 25823446). In summary, the available evidence is currently insufficient to determine the role of this variant in disease. Therefore, it has been classified as a Variant of Uncertain Significance.

Quest Diagnostics Nichols Institute San Juan Capistrano
Classification: Uncertain significance. Last evaluated: 2025-02-13. Review status: criteria provided, single submitter. Criteria: Quest Diagnostics criteria. Collection method: clinical testing. Allele origin: unknown.
Comment: The BRCA1 c.216C>G (p.Ser72Arg) variant has been reported in the published literature in individuals with breast cancer (PMID: 28993434 (2018)), breast and ovarian cancer (PMID: 16267036 (2005)), and in reportedly healthy individuals (PMID: 28993434 (2018)). This variant was also reported as being likely benign in a multifactorial likelihood study (PMID: 31131967 (2019)), and has also been described to be located in a region of the BRCA1 gene that is tolerant to missense sequence changes (PMID: 31911673 (2020)). The frequency of this variant in the general population (Genome Aggregation Database) is uninformative in the assessment of its pathogenicity. Analysis of this variant using bioinformatics tools for the prediction of the effect of amino acid changes on protein structure and function yielded predictions that this variant is damaging. Based on the available information, we are unable to determine the clinical significance of this variant.

Lupski Lab, Baylor-Hopkins CMG, Baylor College of Medicine
Classification: Likely benign for Breast-ovarian cancer, familial, susceptibility to, 1. Last evaluated: 2024-04-12. Review status: criteria provided, single submitter. Criteria: Dawood et al. (medRxiv. 2024). Collection method: curation. Allele origin: germline.
Comment: Each variant was annotated with functional scores from MAVE data which was translated into functional evidence codes. All other evidence codes and combining criteria were adhered to as closely as possible based on the ClinGen VCEP (Variant Curation Expert Panel) gene-specific recommendations. See Supplemental Figure 34 of final paper (Supp Fig. 28 in preprint: doi:10.1101/2024.04.11.24305690) for a table to see which lines of evidence we did not have data for. The ClinGen VCEPs are highly regarded as the gold-standard for gene-specific variant curation and are developed after extensive evaluation of the evidence by clinical and scientific experts for the particular gene to classify genomic variants on a spectrum from pathogenic to benign using the 2015 ACMG/AMP Variant Interpretation Guidelines as a backbone (PMID: 25741868). Reclassification of these VUS variants from gnomAD or All of Us focused only on variants originally prescribed as VUS in ClinVar. To ensure reproducibility, transparency, and increased throughput, all the procedures for annotating variants and assigning evidence codes were codified using Python. All code has been made freely available and is linked in the Code Availability section and all reclassified variants with evidence codes used can be found in Tables S18-19 (preprint: doi:10.1101/2024.04.11.24305690). For the MAVE data, the clinical curation and clinical strength assignment as per the ClinGen recommendations in Brnich et al. (2020) (PMID: 31892348) for or against pathogenicity or benignity of each of these MAVE datasets utilized in this study were previously published in Fayer et al. (2021) (PMID: 34793697).In brief, for BRCA1 variants, if a variant was categorized as FUNC (functional), it was assigned BS3 evidence and no PS3 evidence, whereas if it was categorized as LOF (loss of function), the variant was assigned PS3 evidence and no BS3 evidence. Variants categorized as INT (intermediate) were left unannotated. For the BRCA1 combining criteria, greater than or equal to 1 criteria of strong benign evidence was enough to reclassify the VUS as Likely Benign. This variant GRCh38:17:43104953:G>C was assigned evidence codes ['BS3'] and an overall classification of Likely benign

Fulgent Genetics
Classification: Uncertain significance for Breast-ovarian cancer, familial, susceptibility to, 1; Pancreatic cancer, susceptibility to, 4; Fanconi anemia, complementation group S. Last evaluated: 2024-02-16. Review status: criteria provided, single submitter. Criteria: ACMG Guidelines, 2015. Collection method: clinical testing. Allele origin: germline.

Myriad Genetics, Inc.
Classification: Likely benign for Breast-ovarian cancer, familial, susceptibility to, 1. Last evaluated: 2023-09-29. Review status: criteria provided, single submitter. Criteria: Myriad Autosomal Dominant, Autosomal Recessive and X-Linked Classification Criteria (2023). Collection method: clinical testing. Allele origin: unknown.
Comment: This variant is considered likely benign. This variant is strongly associated with less severe personal and family histories of cancer, typical for individuals without pathogenic variants in this gene [PMID: 25085752].

Department of Pathology and Laboratory Medicine, Sinai Health System
Classification: Uncertain significance for Familial cancer of breast; Breast-ovarian cancer, familial, susceptibility to, 1; Fanconi anemia, complementation group S. Last evaluated: 2022-03-24. Review status: criteria provided, single submitter. Criteria: ACMG Guidelines, 2015. Collection method: clinical testing. Allele origin: germline. Affected: yes.

Ambry Genetics
Classification: Likely benign for Hereditary cancer-predisposing syndrome. Last evaluated: 2021-04-19. Review status: criteria provided, single submitter. Criteria: Ambry Variant Classification Scheme 2023. Collection method: clinical testing. Allele origin: germline.

Brotman Baty Institute, University of Washington
No classification provided (evidence only). Condition: Breast-ovarian cancer, familial 1. Review status: no classification provided. Collection method: in vitro. Allele origin: not applicable. Functional consequence: functionally_normal. Not counted in ClinVar's aggregate classification.
ClinVar note: "not provided" was previously submitted as the classification for the variant. However, the classification appeared to be based only on an observation of functional data so it was converted to no classification on 2025-07-30.

Literature cited by the submitters: PubMed 16267036 (cited by Women's Health and Genetics/Laboratory Corporation of America, LabCorp and Quest Diagnostics Nichols Institute San Juan Capistrano); PubMed 15385441 (cited by Women's Health and Genetics/Laboratory Corporation of America, LabCorp and Quest Diagnostics Nichols Institute San Juan Capistrano); PubMed 15235020 (cited by Women's Health and Genetics/Laboratory Corporation of America, LabCorp and Quest Diagnostics Nichols Institute San Juan Capistrano); PubMed 14569140 (cited by Women's Health and Genetics/Laboratory Corporation of America, LabCorp and Ambry Genetics); PubMed 24489791 (cited by Women's Health and Genetics/Laboratory Corporation of America, LabCorp and Quest Diagnostics Nichols Institute San Juan Capistrano); PubMed 16403807 (cited by 5 submitters); PubMed 25823446 (cited by 4 submitters); PubMed 28993434 (cited by 3 submitters); PubMed 30209399 (cited by 3 submitters); PubMed 31911673 (cited by Quest Diagnostics Nichols Institute San Juan Capistrano); PubMed 31131967 (cited by Quest Diagnostics Nichols Institute San Juan Capistrano); PubMed 39142283 (cited by Lupski Lab, Baylor-Hopkins CMG, Baylor College of Medicine); PubMed 34793697 (cited by Lupski Lab, Baylor-Hopkins CMG, Baylor College of Medicine); DOI 10.1101/2024.04.11.24305690 (cited by Lupski Lab, Baylor-Hopkins CMG, Baylor College of Medicine); PubMed 25085752 (cited by Myriad Genetics, Inc.).